The following is an entry in ClinVar:

ClinVar aggregate classification (germline): Uncertain significance (1 of 4 stars; one submission).

Conditions:
Hypercholesterolemia, autosomal dominant, 3 (FHCL3). Also called: Familial Hypercholesterolemia, Autosomal Dominant, 3; PCSK9-Related Familial Hypercholesterolemia, Autosomal Dominant; Familial hypercholesterolemia 3. Identifiers: MedGen C1863551, MONDO:0011369, OMIM 603776.

Submission:

All of Us Research Program, National Institutes of Health
Classification: Uncertain significance for Hypercholesterolemia, autosomal dominant, 3. Last evaluated: 2023-05-16. Review status: criteria provided, single submitter. Criteria: ACMG Guidelines, 2015. Collection method: clinical testing. Allele origin: germline. Inheritance: Autosomal dominant inheritance. Observed: 1 variant allele, 1 heterozygote.
Comment: This variant causes an in-frame duplication of 6 amino acids of the PCSK9 protein. To our knowledge, functional studies have not been reported for this variant. This variant has not been reported in individuals affected with PCSK9-related disorders in the literature. This variant has not been identified in the general population by the Genome Aggregation Database (gnomAD). The available evidence is insufficient to determine the role of this variant in disease conclusively. Therefore, this variant is classified as a Variant of Uncertain Significance.

This study involves interpretation of variants in research participants for the purpose of population health screening. Participant phenotype was not available at the time of variant classification. Additional details can be found in publication PMID: 35346344, PMCID: PMC8962531

NM_174936.4(PCSK9):c.851_868dup (p.Leu289_Ala290insValValLeuLeuProLeu)

Gene: PCSK9 (proprotein convertase subtilisin/kexin type 9; plus strand). Cytogenetic location: 1p32.3.
Variant type: Duplication.
Coding change: c.851_868dup on transcript NM_174936.4 (MANE Select); coding-DNA positions 851 to 868, 18 bases duplicated (TGGTGCTGCTGCCCCTGG).
Protein change: p.Leu289_Ala290insValValLeuLeuProLeu.
Molecular consequence: inframe insertion. On other transcripts: non-coding transcript variant (8).
Genome position (GRCh38, 1-based): chr1:55,056,044-55,056,061, TGGTGCTGCTGCCCCTGG duplicated; duplicating any 18 consecutive bases within chr1:55,056,040-55,056,061 gives the same sequence; the c. name uses the placement nearest the transcript's 3' end. VCF-style (leftmost placement, unchanged base first): chr1-55056039-A-ACTGGTGGTGCTGCTGCCC. GRCh37 (hg19) VCF-style: chr1-55521712-A-ACTGGTGGTGCTGCTGCCC.
Other names: c.974_991dup, p.Leu330_Ala331insValValLeuLeuProLeu (NM_001407240.1); c.851_868dup, p.Leu289_Ala290insValValLeuLeuProLeu (NM_001407241.1, NM_001407244.1, NM_001407247.1); c.854_871dup, p.Leu290_Ala291insValValLeuLeuProLeu (NM_001407242.1); c.794_811dup, p.Leu270_Ala271insValValLeuLeuProLeu (NM_001407243.1); c.659_676dup, p.Leu225_Ala226insValValLeuLeuProLeu (NM_001407245.1); c.476_493dup, p.Leu164_Ala165insValValLeuLeuProLeu (NM_001407246.1).
Identifiers: ClinVar variation 3071217 (VCV003071217.1), dbSNP rs2523244015, ClinGen allele CA2825000979.